The following is an entry in ClinVar:

ClinVar aggregate classification (germline): Likely pathogenic (1 of 4 stars; one submission).

Conditions:
Waardenburg syndrome type 1 (WS1). Also called: WAARDENBURG SYNDROME WITH DYSTOPIA CANTHORUM; Waardenburg Syndrome Type I. Identifiers: Orphanet 894, MedGen C1847800, MONDO:0008670, OMIM 193500.

Submission:

Institute of Rare Diseases, West China Hospital, Sichuan University
Classification: Likely pathogenic for Waardenburg syndrome type 1. Last evaluated: 2025-01-09. Review status: criteria provided, single submitter. Criteria: ClinGen HL ACMG Specifications v1. Collection method: research. Allele origin: germline. Affected: yes.
Comment: PM1;PP4;PM2_Supporting;PM4

NM_181458.4(PAX3):c.173_175del (p.Lys58del)

Gene: PAX3 (paired box 3; minus strand). Cytogenetic location: 2q36.1.
Variant type: Deletion.
Coding change: c.173_175del on transcript NM_181458.4 (MANE Select); coding-DNA positions 173 to 175, 3 bases deleted (AGA; older notation c.173_175delAGA).
Protein change: p.Lys58del; deletes lysine 58.
Genome position (GRCh38, 1-based): chr2:222,297,124-222,297,126, TCT deleted on the plus strand (AGA on the coding strand, the reverse complement: PAX3 is on the minus strand); deleting any 3 consecutive bases within chr2:222,297,124-222,297,127 gives the same sequence; the c. name uses the placement nearest the transcript's 3' end. VCF-style (leftmost placement, unchanged base first): chr2-222297123-ATCT-A. GRCh37 (hg19) VCF-style: chr2-223161842-ATCT-A.
Other names: c.173_175del, p.Lys58del (NM_000438.6, NM_001127366.3, NM_013942.5 and 4 more transcripts); short protein forms K58del.
Identifiers: ClinVar variation 3601571 (VCV003601571.1).